The following is an entry in ClinVar:

NM_002047.4(GARS1):c.659C>A (p.Ala220Asp)

Gene: GARS1 (glycyl-tRNA synthetase 1; plus strand). Cytogenetic location: 7p14.3.
Variant type: single nucleotide variant.
Coding change: c.659C>A on transcript NM_002047.4 (MANE Select); coding-DNA position 659, C replaced by A.
Protein change: p.Ala220Asp; replaces alanine 220 with aspartic acid.
Molecular consequence: missense variant.
Genome position (GRCh38, 1-based): chr7:30,603,496, C>A. VCF-style: chr7-30603496-C-A. GRCh37 (hg19) VCF-style: chr7-30643112-C-A.
Other names: c.497C>A, p.Ala166Asp (NM_001316772.1); short protein forms A166D, A220D.
Identifiers: ClinVar variation 2956389 (VCV002956389.4), dbSNP rs1259631198, ClinGen allele CA367139864.

ClinVar aggregate classification (germline): Uncertain significance. Review status: criteria provided, multiple submitters, no conflicts (2 of 4 stars). 2 submissions from 2 submitters: Uncertain significance (2). Last evaluated 2025-08-27.

Conditions:
Charcot-Marie-Tooth disease type 2. Also called: Charcot-Marie-Tooth type 2. Identifiers: Orphanet 64746, MedGen C0270914, MONDO:0018993.

Allele frequency attached by ClinVar (database versions not stated): TOPMed below 0.00001; gnomAD exomes below 0.00001.
gnomAD v4.1: 4 of 1,611,862 alleles (0.00025%); highest among the groups gnomAD compares: Non-Finnish European, 0.00034%; no homozygotes.

Submissions (2):

Ambry Genetics
Classification: Uncertain significance. Last evaluated: 2025-08-27. Review status: criteria provided, single submitter. Criteria: Ambry Variant Classification Scheme 2023. Collection method: clinical testing. Allele origin: germline.

Labcorp Genetics (formerly Invitae), Labcorp
Classification: Uncertain significance for Charcot-Marie-Tooth disease type 2. Last evaluated: 2023-08-07. Review status: criteria provided, single submitter. Criteria: Invitae Variant Classification Sherloc (09022015). Collection method: clinical testing. Allele origin: germline.
Comment: This variant has not been reported in the literature in individuals affected with GARS-related conditions. This variant is not present in population databases (gnomAD no frequency). This sequence change replaces alanine, which is neutral and non-polar, with aspartic acid, which is acidic and polar, at codon 220 of the GARS protein (p.Ala220Asp). An algorithm developed to predict the effect of missense changes on protein structure and function (PolyPhen-2) suggests that this variant is likely to be disruptive. In summary, the available evidence is currently insufficient to determine the role of this variant in disease. Therefore, it has been classified as a Variant of Uncertain Significance.